The following is an entry in ClinVar:

ClinVar aggregate classification (germline): Uncertain significance (1 of 4 stars; one submission).

Submission:

Ambry Genetics
Classification: Uncertain significance. Last evaluated: 2025-06-09. Review status: criteria provided, single submitter. Criteria: Ambry Variant Classification Scheme 2023. Collection method: clinical testing. Allele origin: germline.
Comment: The p.Y224S variant (also known as c.671A>C), located in coding exon 6 of the PKP4 gene, results from an A to C substitution at nucleotide position 671. The tyrosine at codon 224 is replaced by serine, an amino acid with dissimilar properties. This amino acid position is conserved. In addition, this alteration is predicted to be deleterious by in silico analysis. Based on the available evidence, the clinical significance of this variant remains unclear.

NM_003628.6(PKP4):c.671A>C (p.Tyr224Ser)

Gene: PKP4 (plakophilin 4; plus strand). Cytogenetic location: 2q24.1.
Variant type: single nucleotide variant.
Coding change: c.671A>C on transcript NM_003628.6 (MANE Select); coding-DNA position 671, A replaced by C.
Protein change: p.Tyr224Ser; replaces tyrosine 224 with serine.
Molecular consequence: missense variant. On other transcripts: intron variant (1).
Genome position (GRCh38, 1-based): chr2:158,624,945, A>C. VCF-style: chr2-158624945-A-C. GRCh37 (hg19) VCF-style: chr2-159481457-A-C.
Other names: c.671A>C, p.Tyr224Ser (NM_001005476.4, NM_001304969.3, NM_001304971.2 and 6 more transcripts); c.665A>C, p.Tyr222Ser (NM_001377222.1, NM_001377223.1, NM_001377224.1); c.-346-10A>C (NM_001304970.3); short protein forms Y222S, Y224S.
Identifiers: ClinVar variation 3933373 (VCV003933373.1).